The following is an entry in ClinVar:

NM_001372066.1(TFAP2A):c.557A>G (p.Lys186Arg)

Genes: TFAP2A (transcription factor AP-2 alpha; minus strand), TFAP2A-AS2 (TFAP2A antisense RNA 2; plus strand), LOC121740638 (BRD4-independent group 4 enhancer GRCh37_chr6:10403277-10404476; plus strand). Cytogenetic location: 6p24.3.
Variant type: single nucleotide variant.
Coding change: c.557A>G on transcript NM_001372066.1 (MANE Select); coding-DNA position 557, A replaced by G.
Protein change: p.Lys186Arg; replaces lysine 186 with arginine.
Molecular consequence: missense variant. On other transcripts: non-coding transcript variant (1).
Genome position (GRCh38, 1-based): chr6:10,404,721, T>C on the plus strand (A>G on the coding strand, the complement: TFAP2A is on the minus strand). VCF-style: chr6-10404721-T-C. GRCh37 (hg19) VCF-style: chr6-10404954-T-C.
Other names: c.533A>G, p.Lys178Arg (NM_001032280.3); c.539A>G, p.Lys180Arg (NM_001042425.3); short protein forms K178R, K180R, K186R.
Identifiers: ClinVar variation 624230 (VCV000624230.43), dbSNP rs1561709465, ClinGen allele CA362701911.

ClinVar aggregate classification (germline): Likely pathogenic (1 of 4 stars; one submission).

Submission:

CeGaT Center for Human Genetics Tuebingen
Classification: Likely pathogenic. Last evaluated: 2022-04-01. Review status: criteria provided, single submitter. Criteria: CeGaT Center For Human Genetics Tuebingen Variant Classification Criteria Version 2. Collection method: clinical testing. Allele origin: germline. Affected: yes. Observed: 3 variant alleles.
Comment: TFAP2A: PM1, PM2, PS2:Moderate